The following is an entry in ClinVar:

NM_001367624.2(ZNF469):c.6715A>G (p.Thr2239Ala)

Gene: ZNF469 (zinc finger protein 469; plus strand). Cytogenetic location: 16q24.2.
Variant type: single nucleotide variant.
Coding change: c.6715A>G on transcript NM_001367624.2 (MANE Select); coding-DNA position 6715, A replaced by G.
Protein change: p.Thr2239Ala; replaces threonine 2239 with alanine.
Molecular consequence: missense variant.
Genome position (GRCh38, 1-based): chr16:88,434,185, A>G. VCF-style: chr16-88434185-A-G. GRCh37 (hg19) VCF-style: chr16-88500593-A-G.
Other names: NM_001127464.1:c.6631A>G; short protein forms T2239A.
Identifiers: ClinVar variation 5037483 (VCV005037483.1).
Genomic context (GRCh38, chr16:88,434,185, plus strand): 5'-GGCAGCCCCCTGGAAGACCCTTCCTCCTGGCCTCCTGGCTCCGTCAGTGCTGTAACCTGC[A>G]CTCACAGTGGGGACACCCCCAAAGACAGCACTTTAAGAATTCCAGAGGATTCCAGAAAAG-3'
Protein context (NP_001354553.1, residues 2229-2249): PPGSVSAVTC[Thr2239Ala]HSGDTPKDST

ClinVar aggregate classification (germline): Uncertain significance (1 of 4 stars; one submission).

gnomAD v4.1: 1 of 1,550,330 alleles (0.000065%); highest among the groups gnomAD compares: Non-Finnish European, 0.000087%; no homozygotes.

Submission:

GeneDx
Classification: Uncertain significance. Last evaluated: 2026-04-22. Review status: criteria provided, single submitter. Criteria: GeneDx Variant Classification Process June 2021. Collection method: clinical testing. Allele origin: germline.
Comment: Not observed at significant frequency in large population cohorts (gnomAD); In silico analysis suggests that this missense variant does not alter protein structure/function; Has not been previously published as pathogenic or benign to our knowledge